The following is an entry in ClinVar:

NM_000059.4(BRCA2):c.6990dup (p.Thr2331fs)

Gene: BRCA2 (BRCA2 DNA repair associated; plus strand). Cytogenetic location: 13q13.1.
Variant type: Duplication.
Coding change: c.6990dup on transcript NM_000059.4 (MANE Select); coding-DNA position 6990, one base duplicated (T; older notation c.6990dupT).
Protein change: p.Thr2331fs; shifts the reading frame from threonine 2331.
Molecular consequence: frameshift variant.
Genome position (GRCh38, 1-based): chr13:32,346,879, T duplicated; the last of 2 consecutive T bases (chr13:32,346,878-32,346,879); duplicating either gives the same sequence. VCF-style (leftmost placement, unchanged base first): chr13-32346877-A-AT. GRCh37 (hg19) VCF-style: chr13-32921014-A-AT.
Other names: c.6990dupT (NM_000059.3); short protein forms T2331fs.
Identifiers: ClinVar variation 230814 (VCV000230814.10), dbSNP rs876658789, ClinGen allele CA10579717.

ClinVar aggregate classification (germline): Pathogenic. Review status: reviewed by expert panel (3 of 4 stars). 3 submissions from 3 submitters: Pathogenic (1). 2 of the submissions do not count toward it. Last evaluated 2017-12-15.

Conditions:
Hereditary cancer-predisposing syndrome. Also called: Hereditary Cancer Syndrome; Neoplastic Syndromes, Hereditary; Tumor predisposition; Hereditary neoplastic syndrome. Identifiers: Orphanet 140162, MedGen C0027672, MeSH D009386, MONDO:0015356.
Breast-ovarian cancer, familial, susceptibility to, 2 (BROVCA2). Also called: BRCA2 Hereditary Breast and Ovarian Cancer. Identifiers: Orphanet 145, MedGen C2675520, MONDO:0012933, OMIM 612555. Disease mechanism: loss of function.
Hereditary breast ovarian cancer syndrome. Also called: Hereditary breast and/or ovarian cancer syndrome; BRCA1- and BRCA2-Associated Hereditary Breast and Ovarian Cancer; Hereditary breast and ovarian cancer syndrome (HBOC); Hereditary breast and ovarian cancer; Hereditary breast and ovarian cancer syndrome; Breast and ovarian cancer. Identifiers: Orphanet 145, MedGen C0677776, MeSH D061325, MONDO:0003582. Disease mechanism: loss of function.

Submissions (3):

Evidence-based Network for the Interpretation of Germline Mutant Alleles (ENIGMA)
Classification: Pathogenic for Breast-ovarian cancer, familial, susceptibility to, 2. Last evaluated: 2017-12-15. Review status: reviewed by expert panel. Criteria: ENIGMA BRCA1/2 Classification Criteria (2017-06-29). Collection method: curation. Allele origin: germline. Study: ENIGMA.
Comment: Variant allele predicted to encode a truncated non-functional protein.

Ambry Genetics
Classification: Pathogenic for Hereditary cancer-predisposing syndrome. Last evaluated: 2023-10-06. Review status: criteria provided, single submitter. Criteria: Ambry Variant Classification Scheme 2023. Collection method: clinical testing. Allele origin: germline. Not counted in ClinVar's aggregate classification.
Comment: The c.6990dupT pathogenic mutation, located in coding exon 12 of the BRCA2 gene, results from a duplication of T at nucleotide position 6990, causing a translational frameshift with a predicted alternate stop codon (p.I2330Ifs*10). This alteration is expected to result in loss of function by premature protein truncation or nonsense-mediated mRNA decay. As such, this alteration is interpreted as a disease-causing mutation.

Labcorp Genetics (formerly Invitae), Labcorp
Classification: Pathogenic for Hereditary breast ovarian cancer syndrome. Last evaluated: 2022-01-19. Review status: criteria provided, single submitter. Criteria: Invitae Variant Classification Sherloc (09022015). Collection method: clinical testing. Allele origin: germline. Not counted in ClinVar's aggregate classification.
Comment: This sequence change creates a premature translational stop signal (p.Thr2331Tyrfs*9) in the BRCA2 gene. It is expected to result in an absent or disrupted protein product. Loss-of-function variants in BRCA2 are known to be pathogenic (PMID: 20104584). This variant is not present in population databases (gnomAD no frequency). This variant has not been reported in the literature in individuals affected with BRCA2-related conditions. ClinVar contains an entry for this variant (Variation ID: 230814). For these reasons, this variant has been classified as Pathogenic.

Literature cited by the submitters: PubMed 20104584 (cited by Labcorp Genetics (formerly Invitae), Labcorp).